The following is an entry in ClinVar:

ClinVar aggregate classification (germline): Uncertain significance (1 of 4 stars; one submission).

Allele frequency attached by ClinVar (database versions not stated): ExAC 0.00001; gnomAD exomes 0.00001; TOPMed 0.00001.
gnomAD v4.1: 5 of 1,614,052 alleles (0.00031%); highest among the groups gnomAD compares: Non-Finnish European, 0.00034%; no homozygotes.

Submission:

Labcorp Genetics (formerly Invitae), Labcorp
Classification: Uncertain significance. Last evaluated: 2023-06-30. Review status: criteria provided, single submitter. Criteria: Invitae Variant Classification Sherloc (09022015). Collection method: clinical testing. Allele origin: germline.
Comment: In summary, the available evidence is currently insufficient to determine the role of this variant in disease. Therefore, it has been classified as a Variant of Uncertain Significance. An algorithm developed to predict the effect of missense changes on protein structure and function (PolyPhen-2) suggests that this variant is likely to be tolerated. ClinVar contains an entry for this variant (Variation ID: 1503872). This variant has not been reported in the literature in individuals affected with VCAN-related conditions. This variant is present in population databases (rs752088160, gnomAD 0.004%). This sequence change replaces serine, which is neutral and polar, with threonine, which is neutral and polar, at codon 2081 of the VCAN protein (p.Ser2081Thr).

NM_004385.5(VCAN):c.6242G>C (p.Ser2081Thr)

Genes: VCAN (versican; plus strand), VCAN-AS1 (VCAN antisense RNA 1; minus strand). Cytogenetic location: 5q14.3.
Variant type: single nucleotide variant.
Coding change: c.6242G>C on transcript NM_004385.5 (MANE Select); coding-DNA position 6242, G replaced by C.
Protein change: p.Ser2081Thr; replaces serine 2081 with threonine.
Molecular consequence: missense variant. On other transcripts: intron variant (2).
Genome position (GRCh38, 1-based): chr5:83,539,245, G>C. VCF-style: chr5-83539245-G-C. GRCh37 (hg19) VCF-style: chr5-82835064-G-C.
Other names: c.3281G>C, p.Ser1094Thr (NM_001164097.2); c.4004-6292G>C (NM_001164098.2); c.1043-6292G>C (NM_001126336.3); short protein forms S1094T, S2081T.
Identifiers: ClinVar variation 1503872 (VCV001503872.8), dbSNP rs752088160, ClinGen allele CA3333462.